The following is an entry in ClinVar:

NM_000049.4(ASPA):c.89T>C (p.Leu30Pro)

Genes: ASPA (aspartoacylase; plus strand), SPATA22 (spermatogenesis associated 22; minus strand). Cytogenetic location: 17p13.2.
Variant type: single nucleotide variant.
Coding change: c.89T>C on transcript NM_000049.4 (MANE Select); coding-DNA position 89, T replaced by C.
Protein change: p.Leu30Pro; replaces leucine 30 with proline.
Molecular consequence: missense variant. On other transcripts: intron variant (2).
Genome position (GRCh38, 1-based): chr17:3,476,248, T>C. VCF-style: chr17-3476248-T-C. GRCh37 (hg19) VCF-style: chr17-3379542-T-C.
Other names: c.89T>C, p.Leu30Pro (NM_001128085.1); c.-73-6850A>G (NM_001321336.2, NM_001321337.2); short protein forms L30P.
Identifiers: ClinVar variation 556181 (VCV000556181.54), dbSNP rs1555538144, ClinGen allele CA397681187.
Genomic context (GRCh38, chr17:3,476,248, plus strand): 5'-ATATACAAAAGGTTGCTATCTTTGGAGGAACCCATGGGAATGAGCTAACCGGAGTATTTC[T>C]GGTTAAGCATTGGCTAGAGAATGGCGCTGAGATTCAGAGAACAGGGCTGGAGGTAAAACC-3'
Protein context (NP_000040.1, residues 20-40): THGNELTGVF[Leu30Pro]VKHWLENGAE

ClinVar aggregate classification (germline): Likely pathogenic. Review status: criteria provided, multiple submitters, no conflicts (2 of 4 stars). 5 submissions from 5 submitters: Likely pathogenic (4). 1 of the submissions does not count toward it. Last evaluated 2025-02-27.

Conditions:
Canavan Disease, Familial Form. Identifiers: MedGen C0751663.
Spongy degeneration of central nervous system. Also called: Canavan disease; Von Bogaert-Bertrand disease; ACY2 DEFICIENCY; AMINOACYLASE 2 DEFICIENCY; ASP DEFICIENCY; ASPA DEFICIENCY. Identifiers: Orphanet 141, MedGen C0206307, MONDO:0010079, OMIM 271900.

Submissions (5):

Natera, Inc.
Classification: Likely pathogenic for Canavan Disease. Last evaluated: 2025-02-27. Review status: criteria provided, single submitter. Criteria: Natera Variant Classification Schema (03/2026). Collection method: clinical testing. Allele origin: germline.
Comment: The c.89T>C variant in ASPA is a missense variant predicted to cause substitution of leucine to proline at amino acid 30. This variant is rare in the general population with a frequency below the threshold expected for the associated phenotype(s). This variant has been observed in one or more individuals affected with the associated recessive disease, as either homozygous or compound heterozygous with a second variant (PMID: 28101991). Functional studies show that this variant may disrupt protein function (PMID: 28101991). Computational prediction algorithms indicate this variant is likely to affect gene or protein function. Given the available evidence, this variant is classified as Likely Pathogenic.

Women's Health and Genetics/Laboratory Corporation of America, LabCorp
Classification: Likely pathogenic for Canavan Disease, Familial Form. Last evaluated: 2023-01-11. Review status: criteria provided, single submitter. Criteria: LabCorp Variant Classification Summary - May 2015. Collection method: clinical testing. Allele origin: germline.
Comment: Variant summary: ASPA c.89T>C (p.Leu30Pro) results in a non-conservative amino acid change in the encoded protein sequence. Five of five in-silico tools predict a damaging effect of the variant on protein function. The variant was absent in 251468 control chromosomes. c.89T>C has been reported in the literature in at least one homozygous individual affected with Canavan Disease (e.g., Mendes_2017). Experimental evidence evaluating an impact on protein function, found that HEK293 cells transfected with the variant protein displayed <1% enzymatic activity (Mendes_2017). These data indicate that the variant is likely to be associated with disease. Three ClinVar submitters (evaluation after 2014) have cited the variant, with two submitters classifying is as likely pathogenic, and one submitter classifying it as uncertain significance. Based on the evidence outlined above, the variant was classified as likely pathogenic.

Genome-Nilou Lab
Classification: Likely pathogenic for Spongy degeneration of central nervous system. Last evaluated: 2021-11-07. Review status: criteria provided, single submitter. Criteria: ACMG Guidelines, 2015. Collection method: clinical testing. Allele origin: germline. Affected: no.

Labcorp Genetics (formerly Invitae), Labcorp
Classification: Likely pathogenic for Spongy degeneration of central nervous system. Last evaluated: 2019-09-22. Review status: criteria provided, single submitter. Criteria: Invitae Variant Classification Sherloc (09022015). Collection method: clinical testing. Allele origin: germline.
Comment: In summary, the currently available evidence indicates that the variant is pathogenic, but additional data are needed to prove that conclusively. Therefore, this variant has been classified as Likely Pathogenic. This variant has been reported to affect ASPA protein function (PMID: 28101991). This variant has been observed in the homozygous state in an individual affected with Canavan disease (PMID: 28101991). ClinVar contains an entry for this variant (Variation ID: 556181). This variant is not present in population databases (ExAC no frequency). This sequence change replaces leucine with proline at codon 30 of the ASPA protein (p.Leu30Pro). The leucine residue is highly conserved and there is a moderate physicochemical difference between leucine and proline.

Counsyl
Classification: Uncertain significance for Spongy degeneration of central nervous system. Last evaluated: 2018-01-17. Review status: no assertion criteria provided. Collection method: clinical testing. Allele origin: unknown. Not counted in ClinVar's aggregate classification.

Literature cited by the submitters: PubMed 28101991 (cited by 4 submitters).